The following is an entry in ClinVar:

ClinVar aggregate classification (germline): Uncertain significance. Review status: criteria provided, multiple submitters, no conflicts (2 of 4 stars). 2 submissions from 2 submitters: Uncertain significance (2). Last evaluated 2020-01-15.

Conditions:
Dyskeratosis congenita, autosomal recessive 5 (DKCB5). Identifiers: MedGen C3554656, MONDO:0014076, OMIM 615190.

Allele frequency attached by ClinVar (database versions not stated): gnomAD exomes below 0.00001 and 0.00001; ExAC 0.00001; TOPMed 0.00001.

Submissions (2):

Baylor Genetics
Classification: Uncertain significance for Dyskeratosis congenita, autosomal recessive 5. Last evaluated: 2020-01-15. Review status: criteria provided, single submitter. Criteria: ACMG Guidelines, 2015. Collection method: clinical testing. Allele origin: unknown. Affected: yes.
Comment: This variant was determined to be of uncertain significance according to ACMG Guidelines, 2015 [PMID:25741868].

Breakthrough Genomics
Classification: Uncertain significance. Review status: criteria provided, single submitter. Criteria: ACMG Guidelines, 2015. Collection method: not provided. Allele origin: germline. Inheritance: Autosomal dominant inheritance. Affected: yes.

NM_001283009.2(RTEL1):c.3283G>A (p.Val1095Met)

Genes: RTEL1 (regulator of telomere elongation helicase 1; plus strand), RTEL1-TNFRSF6B (RTEL1-TNFRSF6B readthrough (NMD candidate); plus strand). Cytogenetic location: 20q13.33.
Variant type: single nucleotide variant.
Coding change: c.3283G>A on transcript NM_001283009.2 (MANE Select); coding-DNA position 3283, G replaced by A.
Protein change: p.Val1095Met; replaces valine 1095 with methionine.
Molecular consequence: missense variant. On other transcripts: non-coding transcript variant (1).
Genome position (GRCh38, 1-based): chr20:63,694,914, G>A. VCF-style: chr20-63694914-G-A. GRCh37 (hg19) VCF-style: chr20-62326267-G-A.
Other names: c.2614G>A, p.Val872Met (NM_001283010.1); c.3283G>A, p.Val1095Met (NM_016434.4); c.3355G>A, p.Val1119Met (NM_032957.5); short protein forms V1095M, V1119M, V872M.
Identifiers: ClinVar variation 1028485 (VCV001028485.2), dbSNP rs757602436, ClinGen allele CA9965938.
Genomic context (GRCh38, chr20:63,694,914, plus strand): 5'-GGCTGTAGCCAACTCTTGGCAGCGCTGACAGCCTATAAGCAAGACGACGACCTCGACAAG[G>A]TGCTGGCTGTGTTGGCCGCCCTGACCACTGCAAAGCCAGAGGACTTCCCCCTGCTGCACA-3'
Protein context (NP_001269938.1, residues 1085-1105): AYKQDDDLDK[Val1095Met]LAVLAALTTA